The following is an entry in ClinVar:

ClinVar aggregate classification (germline): Conflicting classifications of pathogenicity. Review status: criteria provided, conflicting classifications (1 of 4 stars). 10 submissions from 10 submitters: Uncertain significance (3); Benign (2); Likely benign (4). 1 of the submissions does not count toward it. Last evaluated 2026-04-01.

Conditions:
Inborn genetic diseases. Identifiers: MedGen C0950123, MeSH D030342.
Usher syndrome type 2C. Also called: Usher syndrome, type 2B; USHER SYNDROME, TYPE IIC. Identifiers: Orphanet 231178, Orphanet 886, MedGen C2931213, MONDO:0011558, OMIM 605472.

Allele frequency attached by ClinVar (database versions not stated): ESP Exome Variant Server 0.00008; 1000 Genomes Project 30x 0.00031; gnomAD 0.00038 and 0.00042; 1000 Genomes Project 0.00040; TOPMed 0.00066.
gnomAD v4.1: 688 of 1,614,026 alleles (0.043%); highest among the groups gnomAD compares: Middle Eastern, 1.1%; 5 homozygotes.

Submissions (10):

CeGaT Center for Human Genetics Tuebingen
Classification: Likely benign. Last evaluated: 2026-04-01. Review status: criteria provided, single submitter. Criteria: CeGaT Center For Human Genetics Tuebingen Variant Classification Criteria Version 2. Collection method: clinical testing. Allele origin: germline. Affected: yes. Observed: 5 variant alleles.
Comment: ADGRV1: BP1, BP4

Labcorp Genetics (formerly Invitae), Labcorp
Classification: Benign. Last evaluated: 2026-01-28. Review status: criteria provided, single submitter. Criteria: Invitae Variant Classification Sherloc (09022015). Collection method: clinical testing. Allele origin: germline.

Women's Health and Genetics/Laboratory Corporation of America, LabCorp
Classification: Likely benign. Last evaluated: 2024-11-05. Review status: criteria provided, single submitter. Criteria: LabCorp Variant Classification Summary - May 2015. Collection method: clinical testing. Allele origin: germline.

Blueprint Genetics
Classification: Likely benign. Last evaluated: 2024-10-21. Review status: criteria provided, single submitter. Criteria: ACMG Guidelines, 2015. Collection method: clinical testing. Allele origin: germline.

Ambry Genetics
Classification: Uncertain significance for Inborn genetic diseases. Last evaluated: 2021-10-18. Review status: criteria provided, single submitter. Criteria: Ambry Variant Classification Scheme 2023. Collection method: clinical testing. Allele origin: germline.

GeneDx
Classification: Likely benign. Last evaluated: 2020-10-26. Review status: criteria provided, single submitter. Criteria: GeneDx Variant Classification Process June 2021. Collection method: clinical testing. Allele origin: germline. Affected: yes.

Illumina Laboratory Services, Illumina
Classification: Uncertain significance for Usher syndrome type 2C. Last evaluated: 2018-01-13. Review status: criteria provided, single submitter. Criteria: ICSL Variant Classification Criteria 13 December 2019. Collection method: clinical testing. Allele origin: germline.

Laboratory for Molecular Medicine, Mass General Brigham Personalized Medicine
Classification: Benign. Last evaluated: 2015-06-02. Review status: criteria provided, single submitter. Criteria: LMM Criteria. Collection method: clinical testing. Allele origin: germline. Observed: 4 variant alleles.
Comment: Glu5203Gly in exon 74 of GPR98: This variant is not expected to have clinical si gnificance because it has been identified in 0.7% (85/11574) of Latino chromosom es, including 3 homozygotes, by the Exome Aggregation Consortium (ExAC; dbSNP rs202106463).

Eurofins Ntd Llc (ga)
Classification: Uncertain significance. Last evaluated: 2014-12-23. Review status: criteria provided, single submitter. Criteria: EGL Classification Definitions 2015. Collection method: clinical testing. Allele origin: germline. Observed: 1 variant allele, 1 heterozygote.

Department of Pathology and Laboratory Medicine, Sinai Health System
Classification: Likely benign. Review status: no assertion criteria provided. Collection method: clinical testing. Allele origin: unknown. Affected: yes. Study: The Canadian Open Genetics Repository (COGR). Not counted in ClinVar's aggregate classification.
Comment: The ADGRV1 p.Glu5203Gly variant was not identified in the literature nor was it identified in Cosmic or LOVD 3.0. The variant was identified in dbSNP (ID: rs202106463) and in ClinVar (classified as a VUS by EGL Genetic Diagnostics and as benign by Laboratory for Molecular Medicine). The variant was identified in control databases in 265 of 280608 chromosomes (1 homozygous) at a frequency of 0.000944 increasing the likelihood this could be a low frequency benign variant (Genome Aggregation Database Feb 27, 2017). The variant was observed in the following populations: Other in 32 of 7142 chromosomes (freq: 0.004481), Ashkenazi Jewish in 45 of 10352 chromosomes (freq: 0.004347), Latino in 140 of 35374 chromosomes (freq: 0.003958), European (non-Finnish) in 41 of 128386 chromosomes (freq: 0.000319), South Asian in 6 of 30602 chromosomes (freq: 0.000196) and African in 1 of 24192 chromosomes (freq: 0.000041); it was not observed in the East Asian or European (Finnish) populations. The p.Glu5203Gly residue is not conserved in mammals and four out of five computational analyses (PolyPhen-2, SIFT, AlignGVGD, MutationTaster) do not suggest a high likelihood of impact to the protein; however, this information is not predictive enough to rule out pathogenicity. The variant occurs outside of the splicing consensus sequence and in silico or computational prediction software programs (SpliceSiteFinder, MaxEntScan, NNSPLICE, GeneSplicer) do not predict a difference in splicing. In summary, based on the above information the clinical significance of this variant cannot be determined with certainty at this time although we would lean towards a more benign role for this variant. This variant is classified as likely benign.

NM_032119.4(ADGRV1):c.15608A>G (p.Glu5203Gly)

Gene: ADGRV1 (adhesion G protein-coupled receptor V1; plus strand). Cytogenetic location: 5q14.3.
Variant type: single nucleotide variant.
Coding change: c.15608A>G on transcript NM_032119.4 (MANE Select); coding-DNA position 15608, A replaced by G.
Protein change: p.Glu5203Gly; replaces glutamic acid 5203 with glycine.
Molecular consequence: missense variant. On other transcripts: non-coding transcript variant (1).
Genome position (GRCh38, 1-based): chr5:90,810,868, A>G. VCF-style: chr5-90810868-A-G. GRCh37 (hg19) VCF-style: chr5-90106685-A-G.
Other names: short protein forms E5203G.
Identifiers: ClinVar variation 46280 (VCV000046280.60), dbSNP rs202106463, ClinGen allele CA138047.
Genomic context (GRCh38, chr5:90,810,868, plus strand): 5'-CTGGTGTATCTGCCATCCCTGAGAAACTTGTCACCCTTCATGGCACACCTGCTGTGTCTG[A>G]AAAGCCTGATGTGGCCACTGTAACTGCCAATGTTTCCATTCATGGAACATTCAGCCTTGG-3'
Protein context (NP_115495.3, residues 5193-5213): VTLHGTPAVS[Glu5203Gly]KPDVATVTAN